The following is an entry in ClinVar:

NM_000038.6(APC):c.5425A>G (p.Lys1809Glu)

Gene: APC (APC regulator of Wnt signaling pathway; plus strand). Cytogenetic location: 5q22.2.
Variant type: single nucleotide variant.
Coding change: c.5425A>G on transcript NM_000038.6 (MANE Select); coding-DNA position 5425, A replaced by G.
Protein change: p.Lys1809Glu; replaces lysine 1809 with glutamic acid.
Molecular consequence: missense variant.
Genome position (GRCh38, 1-based): chr5:112,841,019, A>G. VCF-style: chr5-112841019-A-G. GRCh37 (hg19) VCF-style: chr5-112176716-A-G.
Other names: c.5047A>G, p.Lys1683Glu (NM_001354904.2); c.4945A>G, p.Lys1649Glu (NM_001354905.2); c.4576A>G, p.Lys1526Glu (NM_001354906.2); c.5425A>G, p.Lys1809Glu (NM_001127510.3, NM_001354895.2); c.5371A>G, p.Lys1791Glu (NM_001127511.3); c.5479A>G, p.Lys1827Glu (NM_001354896.2); c.5455A>G, p.Lys1819Glu (NM_001354897.2); c.5350A>G, p.Lys1784Glu (NM_001354898.2); and 5 more; short protein forms K1526E, K1781E, K1784E, K1809E, K1819E, K1718E, K1768E, K1791E.
Identifiers: ClinVar variation 825724 (VCV000825724.16), dbSNP rs1580660009, ClinGen allele CA16033190.

ClinVar aggregate classification (germline): Uncertain significance. Review status: criteria provided, multiple submitters, no conflicts (2 of 4 stars). 3 submissions from 3 submitters: Uncertain significance (3). Last evaluated 2025-08-04.

Conditions:
Familial adenomatous polyposis 1 (FAP1). Also called: POLYPOSIS, ADENOMATOUS INTESTINAL; FAMILIAL ADENOMATOUS POLYPOSIS 1, ATTENUATED. Identifiers: MedGen C2713442, MONDO:0021056, OMIM 175100. Disease mechanism: loss of function.
Hereditary cancer-predisposing syndrome. Also called: Neoplastic Syndromes, Hereditary; Tumor predisposition; Hereditary neoplastic syndrome; Hereditary Cancer Syndrome. Identifiers: Orphanet 140162, MedGen C0027672, MeSH D009386, MONDO:0015356.

Allele frequency attached by ClinVar (database versions not stated): gnomAD exomes below 0.00001; TOPMed below 0.00001.
gnomAD v4.1: 1 of 1,610,968 alleles (0.000062%); highest among the groups gnomAD compares: Non-Finnish European, 0.000085%; no homozygotes.

Submissions (3):

Labcorp Genetics (formerly Invitae), Labcorp
Classification: Uncertain significance for Familial adenomatous polyposis 1. Last evaluated: 2025-08-04. Review status: criteria provided, single submitter. Criteria: Invitae Variant Classification Sherloc (09022015). Collection method: clinical testing. Allele origin: germline.
Comment: This sequence change replaces lysine, which is basic and polar, with glutamic acid, which is acidic and polar, at codon 1809 of the APC protein (p.Lys1809Glu). This variant is not present in population databases (gnomAD no frequency). This variant has not been reported in the literature in individuals affected with APC-related conditions. ClinVar contains an entry for this variant (Variation ID: 825724). Invitae Evidence Modeling of protein sequence and biophysical properties (such as structural, functional, and spatial information, amino acid conservation, physicochemical variation, residue mobility, and thermodynamic stability) indicates that this missense variant is not expected to disrupt APC protein function with a negative predictive value of 95%. In summary, the available evidence is currently insufficient to determine the role of this variant in disease. Therefore, it has been classified as a Variant of Uncertain Significance.

KCCC/NGS Laboratory, Kuwait Cancer Control Center
Classification: Uncertain significance for Familial adenomatous polyposis 1. Last evaluated: 2023-07-07. Review status: criteria provided, single submitter. Criteria: ACMG Guidelines, 2015. Collection method: clinical testing. Allele origin: unknown. Affected: yes.
Comment: This sequence change replaces lysine with glutamic acid at codon 1809 of the APC protein (p.Lys1809Glu). This variant is not present in population databases (ExAC no frequency). This variant has not been reported in the literature in individuals with APC-related conditions. Algorithms developed to predict the effect of missense changes on protein structure and function (SIFT, PolyPhen-2, Align-GVGD) all suggest that this variant is likely to be tolerated, but these predictions have not been confirmed by published functional studies and their clinical significance is uncertain. Therefore, it has been classified as a Variant of Uncertain Significance.

Ambry Genetics
Classification: Uncertain significance for Hereditary cancer-predisposing syndrome. Last evaluated: 2023-06-15. Review status: criteria provided, single submitter. Criteria: Ambry Variant Classification Scheme 2023. Collection method: clinical testing. Allele origin: germline.
Comment: The p.K1809E variant (also known as c.5425A>G), located in coding exon 15 of the APC gene, results from an A to G substitution at nucleotide position 5425. The lysine at codon 1809 is replaced by glutamic acid, an amino acid with similar properties. This amino acid position is well conserved in available vertebrate species. In addition, in silico predictors for this gene do not accurately predict pathogenicity. Since supporting evidence is limited at this time, the clinical significance of this alteration remains unclear.